The following is an entry in ClinVar:

ClinVar aggregate classification (germline): Uncertain significance (1 of 4 stars; one submission).

Conditions:
Kabuki syndrome. Also called: NIIKAWA-KUROKI SYNDROME; Kabuki make-up syndrome. Identifiers: Orphanet 2322, MedGen C0796004, MONDO:0016512.

Submission:

Labcorp Genetics (formerly Invitae), Labcorp
Classification: Uncertain significance for Kabuki syndrome. Last evaluated: 2022-07-30. Review status: criteria provided, single submitter. Criteria: Invitae Variant Classification Sherloc (09022015). Collection method: clinical testing. Allele origin: germline.
Comment: In summary, the available evidence is currently insufficient to determine the role of this variant in disease. Therefore, it has been classified as a Variant of Uncertain Significance. Advanced modeling of protein sequence and biophysical properties (such as structural, functional, and spatial information, amino acid conservation, physicochemical variation, residue mobility, and thermodynamic stability) performed at Invitae indicates that this missense variant is not expected to disrupt KMT2D protein function. This variant has not been reported in the literature in individuals affected with KMT2D-related conditions. This variant is not present in population databases (gnomAD no frequency). This sequence change replaces cysteine, which is neutral and slightly polar, with tyrosine, which is neutral and polar, at codon 2396 of the KMT2D protein (p.Cys2396Tyr).

NM_003482.4(KMT2D):c.7187G>A (p.Cys2396Tyr)

Gene: KMT2D (lysine methyltransferase 2D; minus strand). Cytogenetic location: 12q13.12.
Variant type: single nucleotide variant.
Coding change: c.7187G>A on transcript NM_003482.4 (MANE Select); coding-DNA position 7187, G replaced by A.
Protein change: p.Cys2396Tyr; replaces cysteine 2396 with tyrosine.
Molecular consequence: missense variant.
Genome position (GRCh38, 1-based): chr12:49,040,583, C>T on the plus strand (G>A on the coding strand, the complement: KMT2D is on the minus strand). VCF-style: chr12-49040583-C-T. GRCh37 (hg19) VCF-style: chr12-49434366-C-T.
Other names: short protein forms C2396Y.
Identifiers: ClinVar variation 2150883 (VCV002150883.4), dbSNP rs894385834, ClinGen allele CA236648239.
Genomic context (GRCh38, chr12:49,040,583, plus strand): 5'-TGAGGACTGGCAGGCACTCGGGAGAAAGGGTCGGAGGGCAGTGAGCGAGGGGGCAGAGCA[C>T]AGCAGCTCTCAGGGGGCGGAGGTTGGGGCCGAGGAGTCAATGGGGGCTGAGCATATGGGT-3'
Protein context (NP_003473.3, residues 2386-2406): RPQPPPPESC[Cys2396Tyr]ALPPRSLPSD